The following is an entry in ClinVar:

ClinVar aggregate classification (germline): Benign/Likely benign. Review status: criteria provided, multiple submitters, no conflicts (2 of 4 stars). 10 submissions from 10 submitters: Benign (5); Likely benign (3). 2 of the submissions do not count toward it. Last evaluated 2026-02-04.

Conditions:
Xeroderma pigmentosum variant type. Also called: POLH-Related Xeroderma Pigmentosum; PHOTOSENSITIVITY WITH DEFECTIVE DNA SYNTHESIS; XERODERMA PIGMENTOSUM WITH NORMAL DNA REPAIR RATES. Identifiers: Orphanet 90342, MedGen C1848410, MONDO:0010214, OMIM 278750.

Allele frequency attached by ClinVar (database versions not stated): gnomAD 0.01768 and 0.01853; TOPMed 0.01782; 1000 Genomes Project 0.01897; 1000 Genomes Project 30x 0.01936; gnomAD exomes 0.02118; ExAC 0.02247; ESP Exome Variant Server 0.02330.
gnomAD v4.1: 41,318 of 1,613,394 alleles (2.6%); highest among the groups gnomAD compares: South Asian, 3.8%; 643 homozygotes.

Submissions (10):

Labcorp Genetics (formerly Invitae), Labcorp
Classification: Benign. Last evaluated: 2026-02-04. Review status: criteria provided, single submitter. Criteria: Invitae Variant Classification Sherloc (09022015). Collection method: clinical testing. Allele origin: germline.

KCCC/NGS Laboratory, Kuwait Cancer Control Center
Classification: Benign for Xeroderma pigmentosum variant type. Last evaluated: 2023-07-07. Review status: criteria provided, single submitter. Criteria: ACMG Guidelines, 2015. Collection method: clinical testing. Allele origin: germline. Affected: yes.

Women's Health and Genetics/Laboratory Corporation of America, LabCorp
Classification: Likely benign. Last evaluated: 2021-12-10. Review status: criteria provided, single submitter. Criteria: LabCorp Variant Classification Summary - May 2015. Collection method: clinical testing. Allele origin: germline.

GeneDx
Classification: Benign. Last evaluated: 2019-12-16. Review status: criteria provided, single submitter. Criteria: GeneDx Variant Classification Process June 2021. Collection method: clinical testing. Allele origin: germline. Affected: yes.
Comment: This variant is associated with the following publications: (PMID: 16823845, 27153395, 19477635)

SIB Swiss Institute of Bioinformatics
Classification: Likely benign for Xeroderma pigmentosum variant type. Last evaluated: 2018-05-31. Review status: criteria provided, single submitter. Criteria: ACMG Guidelines, 2015. Collection method: curation. Allele origin: unknown.
Comment: This variant is interpreted as a Likely Benign, for Xeroderma pigmentosum, variant type, in Autosomal Recessive manner. The following ACMG Tag(s) were applied: BP4 => Multiple lines of computational evidence suggest no impact on gene or gene product (conservation, evolutionary, splicing impact, etc.). BS1 => Allele frequency is greater than expected for disorder.

Illumina Laboratory Services, Illumina
Classification: Benign for Xeroderma pigmentosum variant type. Last evaluated: 2018-03-06. Review status: criteria provided, single submitter. Criteria: ICSL Variant Classification Criteria 13 December 2019. Collection method: clinical testing. Allele origin: germline.
Comment: This variant was observed in the ICSL laboratory as part of a predisposition screen in an ostensibly healthy population. It had not been previously curated by ICSL or reported in the Human Gene Mutation Database (HGMD: prior to June 1st, 2018), and was therefore a candidate for classification through an automated scoring system. Utilizing variant allele frequency, disease prevalence and penetrance estimates, and inheritance mode, an automated score was calculated to assess if this variant is too frequent to cause the disease. Based on the score and internal cut-off values, a variant classified as benign is not then subjected to further curation. The score for this variant resulted in a classification of benign for this disease.

Breakthrough Genomics
Classification: Likely benign. Review status: criteria provided, single submitter. Criteria: ACMG Guidelines, 2015. Collection method: not provided. Allele origin: germline. Inheritance: Autosomal recessive inheritance. Affected: yes.

PreventionGenetics, part of Exact Sciences
Classification: Benign. Review status: criteria provided, single submitter. Criteria: ACMG Guidelines, 2015. Collection method: clinical testing. Allele origin: germline.

Genome Diagnostics Laboratory, Amsterdam University Medical Center
Classification: Benign. Review status: no assertion criteria provided. Collection method: clinical testing. Allele origin: germline. Affected: yes. Study: VKGL Data-share Consensus. Not counted in ClinVar's aggregate classification.

Laboratory of Diagnostic Genome Analysis, Leiden University Medical Center (LUMC)
Classification: Benign. Review status: no assertion criteria provided. Collection method: clinical testing. Allele origin: germline. Affected: yes. Study: VKGL Data-share Consensus. Not counted in ClinVar's aggregate classification.

NM_006502.3(POLH):c.1783A>G (p.Met595Val)

Gene: POLH (DNA polymerase eta; plus strand). Cytogenetic location: 6p21.1.
Variant type: single nucleotide variant.
Coding change: c.1783A>G on transcript NM_006502.3 (MANE Select); coding-DNA position 1783, A replaced by G.
Protein change: p.Met595Val; replaces methionine 595 with valine.
Molecular consequence: missense variant. On other transcripts: 3 prime UTR variant (1).
Genome position (GRCh38, 1-based): chr6:43,614,198, A>G. VCF-style: chr6-43614198-A-G. GRCh37 (hg19) VCF-style: chr6-43581935-A-G.
Other names: NM_001291969.1(POLH):c.1411A>G(p.Met471Val); NM_006502.2(POLH):c.1783A>G(p.Met595Val); c.1411A>G, p.Met471Val (NM_001291969.2); c.*467A>G (NM_001291970.2); short protein forms M595V, M471V.
Identifiers: ClinVar variation 259988 (VCV000259988.18), dbSNP rs9333555, ClinGen allele CA3827306.